The following is an entry in ClinVar:

ClinVar aggregate classification (germline): Uncertain significance (1 of 4 stars; one submission).

gnomAD v4.1: 12 of 1,535,850 alleles (0.00078%); highest among the groups gnomAD compares: Non-Finnish European, 0.001%; no homozygotes.

Submission:

Labcorp Genetics (formerly Invitae), Labcorp
Classification: Uncertain significance. Last evaluated: 2024-08-08. Review status: criteria provided, single submitter. Criteria: Invitae Variant Classification Sherloc (09022015). Collection method: clinical testing. Allele origin: germline.
Comment: This sequence change replaces proline, which is neutral and non-polar, with serine, which is neutral and polar, at codon 6 of the NUP133 protein (p.Pro6Ser). This variant is not present in population databases (gnomAD no frequency). This variant has not been reported in the literature in individuals affected with NUP133-related conditions. An algorithm developed to predict the effect of missense changes on protein structure and function outputs the following: PolyPhen-2: "Benign". The serine amino acid residue is found in multiple mammalian species, which suggests that this missense change does not adversely affect protein function. In summary, the available evidence is currently insufficient to determine the role of this variant in disease. Therefore, it has been classified as a Variant of Uncertain Significance.

NM_018230.3(NUP133):c.16C>T (p.Pro6Ser)

Genes: NUP133 (nucleoporin 133; minus strand), LOC129932732 (ATAC-STARR-seq lymphoblastoid silent region 1931; plus strand). Cytogenetic location: 1q42.13.
Variant type: single nucleotide variant.
Coding change: c.16C>T on transcript NM_018230.3 (MANE Select); coding-DNA position 16, C replaced by T.
Protein change: p.Pro6Ser; replaces proline 6 with serine.
Molecular consequence: missense variant.
Genome position (GRCh38, 1-based): chr1:229,508,234, G>A on the plus strand (C>T on the coding strand, the complement: NUP133 is on the minus strand). VCF-style: chr1-229508234-G-A. GRCh37 (hg19) VCF-style: chr1-229643981-G-A.
Other names: short protein forms P6S.
Identifiers: ClinVar variation 3614465 (VCV003614465.2).